The following is an entry in ClinVar:

NM_033305.3(VPS13A):c.4592del (p.Val1531fs)

Gene: VPS13A (vacuolar protein sorting 13 homolog A; plus strand). Cytogenetic location: 9q21.2.
Variant type: Deletion.
Coding change: c.4592del on transcript NM_033305.3 (MANE Select); coding-DNA position 4592, one base deleted (T; older notation c.4592delT).
Protein change: p.Val1531fs; shifts the reading frame from valine 1531.
Molecular consequence: frameshift variant.
Genome position (GRCh38, 1-based): chr9:77,315,432, T deleted. VCF-style (leftmost placement, unchanged base first): chr9-77315431-GT-G. GRCh37 (hg19) VCF-style: chr9-79930347-GT-G.
Other names: c.4475del, p.Val1492fs (NM_001018037.2); c.4592del, p.Val1531fs (NM_001018038.3, NM_015186.4); short protein forms V1492fs, V1531fs.
Identifiers: ClinVar variation 5011706 (VCV005011706.1).
Genomic context (GRCh38, chr9:77,315,431, plus strand): 5'-GTAGAATTTCTGCAGACTGTTGCAAATGTCTTTCTTGAGGCCTACACCACAGGCACTGCT[GT>G]AGAAACCAGTGTGCAAACATGGACTGCTAAGGAAGAAGGTTAGTTATTGGCTAAAATATT-3'

ClinVar aggregate classification (germline): Pathogenic (1 of 4 stars; one submission).

Conditions:
VPS13A-related neurodegenerative disease. Also called: ACANTHOCYTOSIS WITH NEUROLOGIC DISORDER; LEVINE-CRITCHLEY SYNDROME; Choreoacanthocytosis; Chorea-acanthocytosis; Choreaacanthocytosis; VPS13A Disease. Identifiers: Orphanet 2388, MedGen C0393576, MONDO:0008695, OMIM 200150.

Submission:

Myriad Genetics, Inc.
Classification: Pathogenic for VPS13A-related neurodegenerative disease. Last evaluated: 2024-05-14. Review status: criteria provided, single submitter. Criteria: Myriad Autosomal Dominant, Autosomal Recessive and X-Linked Classification Criteria (2023). Collection method: clinical testing. Allele origin: unknown.
Comment: NM_033305.2(VPS13A):c.4592delT(V1531Efs*20) is expected to be pathogenic in the context of VPS13A disease. This variant is predicted to lead to an abnormal or absent protein product due to the creation of a premature termination codon in VPS13A, a gene where loss-of-function variants are known to be pathogenic. Please note: this variant was assessed in the context of healthy population screening.